The following is an entry in ClinVar:

ClinVar aggregate classification (germline): Uncertain significance (1 of 4 stars; one submission).

Conditions:
Hereditary cancer-predisposing syndrome. Also called: Neoplastic Syndromes, Hereditary; Tumor predisposition; Hereditary Cancer Syndrome; Hereditary neoplastic syndrome. Identifiers: Orphanet 140162, MedGen C0027672, MeSH D009386, MONDO:0015356.

gnomAD v4.1: 3 of 1,614,060 alleles (0.00019%); highest among the groups gnomAD compares: Non-Finnish European, 0.00025%; no homozygotes.

Submission:

Ambry Genetics
Classification: Uncertain significance for Hereditary cancer-predisposing syndrome. Last evaluated: 2021-09-07. Review status: criteria provided, single submitter. Criteria: Ambry Variant Classification Scheme 2023. Collection method: clinical testing. Allele origin: germline.
Comment: The p.F583L variant (also known as c.1747T>C), located in coding exon 13 of the PTCH1 gene, results from a T to C substitution at nucleotide position 1747. The phenylalanine at codon 583 is replaced by leucine, an amino acid with highly similar properties. This amino acid position is highly conserved in available vertebrate species. In addition, the in silico prediction for this alteration is inconclusive. Since supporting evidence is limited at this time, the clinical significance of this alteration remains unclear.

NM_000264.5(PTCH1):c.1747T>C (p.Phe583Leu)

Genes: PTCH1 (patched 1; minus strand), LOC100507346 (uncharacterized LOC100507346; plus strand). Cytogenetic location: 9q22.32.
Variant type: single nucleotide variant.
Coding change: c.1747T>C on transcript NM_000264.5 (MANE Select); coding-DNA position 1747, T replaced by C.
Protein change: p.Phe583Leu; replaces phenylalanine 583 with leucine.
Molecular consequence: missense variant. On other transcripts: non-coding transcript variant (2).
Genome position (GRCh38, 1-based): chr9:95,469,913, A>G on the plus strand (T>C on the coding strand, the complement: PTCH1 is on the minus strand). VCF-style: chr9-95469913-A-G. GRCh37 (hg19) VCF-style: chr9-98232195-A-G.
Other names: c.1549T>C, p.Phe517Leu (NM_001083602.3); c.1744T>C, p.Phe582Leu (NM_001083603.3); c.1294T>C, p.Phe432Leu (NM_001083604.3, NM_001083605.3, NM_001083606.3 and 1 more transcripts); c.1591T>C, p.Phe531Leu (NM_001354918.2); short protein forms F432L, F517L, F531L, F583L, F582L.
Identifiers: ClinVar variation 1779325 (VCV001779325.2), dbSNP rs1554695616, ClinGen allele CA374116444.
Genomic context (GRCh38, chr9:95,469,913, plus strand): 5'-GTCGATATAAATCCATGCTGAGAATTGCAGGAAAAATGAGCAGAACCATGGCAAAATTGA[A>G]CACCACTACTACCGCTGCCTGGGAGCAGAAAAAAAATTCAGAGGTCACCAACATGCCTCC-3'
Protein context (NP_000255.2, residues 573-593): FSLQAAVVVV[Phe583Leu]NFAMVLLIFP